The following is an entry in ClinVar:

NM_000174.5(GP9):c.119del (p.Gly40fs)

Gene: GP9 (glycoprotein IX platelet; plus strand). Cytogenetic location: 3q21.3.
Variant type: Deletion.
Coding change: c.119del on transcript NM_000174.5 (MANE Select); coding-DNA position 119, one base deleted (G; older notation c.119delG).
Protein change: p.Gly40fs; shifts the reading frame from glycine 40.
Molecular consequence: frameshift variant.
Genome position (GRCh38, 1-based): chr3:129,061,858, G deleted; the last of 4 consecutive G bases (chr3:129,061,855-129,061,858); deleting any one gives the same sequence. VCF-style (leftmost placement, unchanged base first): chr3-129061854-AG-A. GRCh37 (hg19) VCF-style: chr3-128780697-AG-A.
Other names: NM_000174.5(GP9):c.119del; p.Gly40fs; short protein forms G40fs.
Identifiers: ClinVar variation 2734558 (VCV002734558.4), dbSNP rs2529777394, ClinGen allele CA658760376.

ClinVar aggregate classification (germline): Likely pathogenic. Review status: reviewed by expert panel (3 of 4 stars). 2 submissions from 2 submitters: Likely pathogenic (1). 1 of the submissions does not count toward it. Last evaluated 2025-06-19.

Conditions:
Bernard Soulier syndrome (BSS). Also called: GLYCOPROTEIN Ib, PLATELET, DEFICIENCY OF; PLATELET GLYCOPROTEIN Ib DEFICIENCY; BLEEDING DISORDER, PLATELET-TYPE, 1; Giant platelet syndrome; Hemorrhagiparous thrombocytic dystrophy; Giant platelet disease. Identifiers: Orphanet 274, MedGen C0005129, MeSH D001606, MONDO:0009276, OMIM 231200.

Submissions (2):

ClinGen Platelet Disorders Variant Curation Expert Panel, ClinGen
Classification: Likely pathogenic for Bernard Soulier syndrome. Last evaluated: 2025-06-19. Review status: reviewed by expert panel. Criteria: ClinGen Platelet ACMG Specifications GP9 V1.0.0. Collection method: curation. Allele origin: germline. Inheritance: Autosomal recessive inheritance.
Comment: The c.119del (p.Gly40AlafsTer43) variant in GP9 is a frameshift variant that may cause loss of function of the protein, however it is predicted to escape nonsense mediated decay and remove >10% of the protein (PVS1_Strong). At least one patient (Patient BS-4 in PMID: 21699652) with this variant had aggregation absent for ristocetin and present for all other agonists and less than 10% expression of GP9 measured by flow cytometry, which is highly specific for Bernard-Soulier syndrome. Additionally, the patient had excessive mucocutaneous bleeding which is consistent with Bernard-Soulier syndrome (PP4). This variant is absent from gnomAD v4.1.0 (PM2_Supporting). In summary, this variant meets the criteria to be classified as Likely Pathogenic for autosomal recessive Bernard-Soulier syndrome based on the ACMG/AMP criteria applied, as specified by the ClinGen PD VCEP: PVS1_Strong, PP4, PM3_Supporting and PM2_Supporting (VCEP specifications version 2; date of approval xx/xx/xxxx).

Labcorp Genetics (formerly Invitae), Labcorp
Classification: Pathogenic. Last evaluated: 2023-04-24. Review status: criteria provided, single submitter. Criteria: Invitae Variant Classification Sherloc (09022015). Collection method: clinical testing. Allele origin: germline. Not counted in ClinVar's aggregate classification.
Comment: This sequence change creates a premature translational stop signal (p.Gly40Alafs*43) in the GP9 gene. While this is not anticipated to result in nonsense mediated decay, it is expected to disrupt the last 138 amino acid(s) of the GP9 protein. For these reasons, this variant has been classified as Pathogenic. This variant disrupts a region of the GP9 protein in which other variant(s) (p.Asn61Ser) have been determined to be pathogenic (PMID: 8481514, 14510954, 25370924, 28131619, 28765788). This suggests that this is a clinically significant region of the protein, and that variants that disrupt it are likely to be disease-causing. This premature translational stop signal has been observed in individual(s) with Bernard-Soulier syndrome (PMID: 21699652). This variant is not present in population databases (gnomAD no frequency).

Literature cited by the submitters: PubMed 8481514 (cited by Labcorp Genetics (formerly Invitae), Labcorp); PubMed 14510954 (cited by Labcorp Genetics (formerly Invitae), Labcorp); PubMed 25370924 (cited by Labcorp Genetics (formerly Invitae), Labcorp); PubMed 28131619 (cited by Labcorp Genetics (formerly Invitae), Labcorp); PubMed 28765788 (cited by Labcorp Genetics (formerly Invitae), Labcorp); PubMed 21699652 (cited by Labcorp Genetics (formerly Invitae), Labcorp).